The following is an entry in ClinVar:

NM_000222.3(KIT):c.434ATT[1] (p.Tyr146del)

Gene: KIT (KIT proto-oncogene, receptor tyrosine kinase; plus strand). Cytogenetic location: 4q12.
Variant type: Microsatellite.
Coding change: c.434ATT[1] on transcript NM_000222.3 (MANE Select); one copy of the 3-base unit ATT starting at c.434; the reference has two copies in a row; one copy, 3 bases deleted.
Protein change: p.Tyr146del; deletes tyrosine 146.
Molecular consequence: inframe deletion.
Genome position (GRCh38, 1-based): chr4:54,698,383-54,698,385, ATT deleted; deleting any 3 consecutive bases within chr4:54,698,380-54,698,385 gives the same sequence; the position shown is the placement nearest the transcript's 3' end. VCF-style (leftmost placement, unchanged base first): chr4-54698379-AATT-A. GRCh37 (hg19) VCF-style: chr4-55564545-AATT-A.
Other names: c.434ATT[1], p.Tyr146del (NM_001093772.2, NM_001385284.1, NM_001385285.1 and 4 more transcripts); short protein forms Y146del.
Identifiers: ClinVar variation 4717712 (VCV004717712.1).

ClinVar aggregate classification (germline): Uncertain significance (1 of 4 stars; one submission).

Conditions:
Gastrointestinal stromal tumor. Also called: Gastrointestinal stromal tumor, somatic; Gastrointestinal stroma tumor. Identifiers: Orphanet 44890, MedGen C0238198, MeSH D046152, MONDO:0011719, OMIM 606764, HP:0100723.

Submission:

Labcorp Genetics (formerly Invitae), Labcorp
Classification: Uncertain significance for Gastrointestinal stromal tumor. Last evaluated: 2025-04-17. Review status: criteria provided, single submitter. Criteria: Invitae Variant Classification Sherloc (09022015). Collection method: clinical testing. Allele origin: germline.
Comment: This variant, c.437_439del, results in the deletion of 1 amino acid(s) of the KIT protein (p.Tyr146del), but otherwise preserves the integrity of the reading frame. This variant is not present in population databases (gnomAD no frequency). This variant has not been reported in the literature in individuals affected with KIT-related conditions. Experimental studies and prediction algorithms are not available or were not evaluated, and the functional significance of this variant is currently unknown. In summary, the available evidence is currently insufficient to determine the role of this variant in disease. Therefore, it has been classified as a Variant of Uncertain Significance.